The following is an entry in ClinVar:

NM_020975.6(RET):c.997C>T (p.His333Tyr)

Gene: RET (ret proto-oncogene; plus strand). Cytogenetic location: 10q11.21.
Variant type: single nucleotide variant.
Coding change: c.997C>T on transcript NM_020975.6 (MANE Select); coding-DNA position 997, C replaced by T.
Protein change: p.His333Tyr; replaces histidine 333 with tyrosine.
Molecular consequence: missense variant.
Genome position (GRCh38, 1-based): chr10:43,106,505, C>T. VCF-style: chr10-43106505-C-T. GRCh37 (hg19) VCF-style: chr10-43601953-C-T.
Other names: c.997C>T, p.His333Tyr (NM_000323.2, NM_001406743.1, NM_001406744.1 and 6 more transcripts); c.235C>T, p.His79Tyr (NM_001355216.2); c.868C>T, p.His290Tyr (NM_001406761.1, NM_001406762.1, NM_001406764.1 and 1 more transcripts); c.709C>T, p.His237Tyr (NM_001406766.1, NM_001406767.1, NM_001406770.1); short protein forms H79Y, H333Y, H290Y, H237Y.
Identifiers: ClinVar variation 823588 (VCV000823588.10), dbSNP rs1554818012, ClinGen allele CA376546317.

ClinVar aggregate classification (germline): Uncertain significance. Review status: criteria provided, multiple submitters, no conflicts (2 of 4 stars). 2 submissions from 2 submitters: Uncertain significance (2). Last evaluated 2024-11-02.

Conditions:
Hereditary cancer-predisposing syndrome. Also called: Neoplastic Syndromes, Hereditary; Tumor predisposition; Hereditary neoplastic syndrome; Hereditary Cancer Syndrome. Identifiers: Orphanet 140162, MedGen C0027672, MeSH D009386, MONDO:0015356.
Multiple endocrine neoplasia, type 2 (MEN2). Identifiers: Orphanet 653, MedGen C4048306, MONDO:0019003. Disease mechanism: gain of function.

Submissions (2):

Ambry Genetics
Classification: Uncertain significance for Hereditary cancer-predisposing syndrome. Last evaluated: 2024-11-02. Review status: criteria provided, single submitter. Criteria: Ambry Variant Classification Scheme 2023. Collection method: clinical testing. Allele origin: germline.
Comment: The p.H333Y variant (also known as c.997C>T), located in coding exon 5 of the RET gene, results from a C to T substitution at nucleotide position 997. The histidine at codon 333 is replaced by tyrosine, an amino acid with similar properties. This amino acid position is highly conserved in available vertebrate species. In addition, the in silico prediction for this alteration is inconclusive. Since supporting evidence is limited at this time, the clinical significance of this alteration remains unclear.

Labcorp Genetics (formerly Invitae), Labcorp
Classification: Uncertain significance for Multiple endocrine neoplasia, type 2. Last evaluated: 2023-08-11. Review status: criteria provided, single submitter. Criteria: Invitae Variant Classification Sherloc (09022015). Collection method: clinical testing. Allele origin: germline.
Comment: In summary, the available evidence is currently insufficient to determine the role of this variant in disease. Therefore, it has been classified as a Variant of Uncertain Significance. An algorithm developed to predict the effect of missense changes on protein structure and function (PolyPhen-2) suggests that this variant is likely to be disruptive. ClinVar contains an entry for this variant (Variation ID: 823588). This variant has not been reported in the literature in individuals affected with RET-related conditions. This variant is not present in population databases (gnomAD no frequency). This sequence change replaces histidine, which is basic and polar, with tyrosine, which is neutral and polar, at codon 333 of the RET protein (p.His333Tyr).